The following is an entry in ClinVar:

ClinVar aggregate classification (germline): Likely pathogenic. Review status: criteria provided, multiple submitters, no conflicts (2 of 4 stars). 2 submissions from 2 submitters: Likely pathogenic (2). Last evaluated 2025-07-15.

Allele frequency attached by ClinVar (database versions not stated): gnomAD 0.00001; gnomAD exomes 0.00001 and below 0.00001; TOPMed 0.00001.
gnomAD v4.1: 10 of 1,613,902 alleles (0.00062%); highest among the groups gnomAD compares: Admixed American, 0.0033%; no homozygotes.

Submissions (2):

Dasa
Classification: Likely pathogenic. Last evaluated: 2025-07-15. Review status: criteria provided, single submitter. Criteria: DASA Assertion Criteria. Collection method: clinical testing. Allele origin: germline.
Comment: NM_130810.4(DNAAF4):c.405+1G>A affects a canonical splice site and is predicted to disrupt normal RNA splicing. Loss of function is an established disease mechanism for DNAAF4-associated disorders. Also, this variant is rare in population databases. Based on the currently available evidence, this variant is classified as likely pathogenic.

Labcorp Genetics (formerly Invitae), Labcorp
Classification: Likely pathogenic. Last evaluated: 2022-07-12. Review status: criteria provided, single submitter. Criteria: Invitae Variant Classification Sherloc (09022015). Collection method: clinical testing. Allele origin: germline.
Comment: In summary, the currently available evidence indicates that the variant is pathogenic, but additional data are needed to prove that conclusively. Therefore, this variant has been classified as Likely Pathogenic. Algorithms developed to predict the effect of sequence changes on RNA splicing suggest that this variant may disrupt the consensus splice site. ClinVar contains an entry for this variant (Variation ID: 410957). This variant has not been reported in the literature in individuals affected with DYX1C1-related conditions. This variant is present in population databases (no rsID available, gnomAD 0.003%). This sequence change affects a donor splice site in intron 4 of the DYX1C1 gene. It is expected to disrupt RNA splicing. Variants that disrupt the donor or acceptor splice site typically lead to a loss of protein function (PMID: 16199547), and loss-of-function variants in DYX1C1 are known to be pathogenic (PMID: 23872636).

Literature cited by the submitters: PubMed 16199547 (cited by Labcorp Genetics (formerly Invitae), Labcorp); PubMed 23872636 (cited by Labcorp Genetics (formerly Invitae), Labcorp).

NM_130810.4(DNAAF4):c.405+1G>A

Genes: DNAAF4 (dynein axonemal assembly factor 4; minus strand), DNAAF4-CCPG1 (DNAAF4-CCPG1 readthrough (NMD candidate); minus strand). Cytogenetic location: 15q21.3.
Variant type: single nucleotide variant.
Coding change: c.405+1G>A on transcript NM_130810.4 (MANE Select); the canonical splice donor site of the intron after coding-DNA position 405, G replaced by A.
Molecular consequence: splice donor variant.
Genome position (GRCh38, 1-based): chr15:55,491,122, C>T on the plus strand (G>A on the coding strand, the complement: DNAAF4 is on the minus strand). VCF-style: chr15-55491122-C-T. GRCh37 (hg19) VCF-style: chr15-55783320-C-T.
Other names: c.405+1G>A (NM_001033560.2, NM_001033559.3).
Identifiers: ClinVar variation 410957 (VCV000410957.11), dbSNP rs944647296, ClinGen allele CA16614537.